The following is an entry in ClinVar:

ClinVar aggregate classification (germline): Uncertain significance (1 of 4 stars; one submission).

Submission:

GeneDx
Classification: Uncertain significance. Last evaluated: 2024-02-16. Review status: criteria provided, single submitter. Criteria: GeneDx Variant Classification Process June 2021. Collection method: clinical testing. Allele origin: germline.
Comment: Not observed at significant frequency in large population cohorts (gnomAD); In silico analysis supports that this missense variant has a deleterious effect on protein structure/function; Has not been previously published as pathogenic or benign to our knowledge

NM_001162501.2(TNRC6B):c.3802A>G (p.Met1268Val)

Gene: TNRC6B (trinucleotide repeat containing adaptor 6B; plus strand). Cytogenetic location: 22q13.1.
Variant type: single nucleotide variant.
Coding change: c.3802A>G on transcript NM_001162501.2 (MANE Select); coding-DNA position 3802, A replaced by G.
Protein change: p.Met1268Val; replaces methionine 1268 with valine.
Molecular consequence: missense variant.
Genome position (GRCh38, 1-based): chr22:40,300,548, A>G. VCF-style: chr22-40300548-A-G. GRCh37 (hg19) VCF-style: chr22-40696552-A-G.
Other names: c.1390A>G, p.Met464Val (NM_001024843.2); c.3472A>G, p.Met1158Val (NM_015088.3); short protein forms M1158V, M1268V, M464V.
Identifiers: ClinVar variation 2503240 (VCV002503240.2), dbSNP rs2518029348, ClinGen allele CA411660371.